The following is an entry in ClinVar:

ClinVar aggregate classification (germline): Uncertain significance. Review status: criteria provided, multiple submitters, no conflicts (2 of 4 stars). 2 submissions from 2 submitters: Uncertain significance (2). Last evaluated 2024-07-02.

Conditions:
Walker-Warburg congenital muscular dystrophy. Also called: Muscular dystrophy-dystroglycanopathy, type A; Walker-Warburg syndrome. Identifiers: Orphanet 899, MedGen C0265221, MONDO:0000171.

Submissions (2):

GeneDx
Classification: Uncertain significance. Last evaluated: 2024-07-02. Review status: criteria provided, single submitter. Criteria: GeneDx Variant Classification Process June 2021. Collection method: clinical testing. Allele origin: germline. Affected: yes.
Comment: Not observed at significant frequency in large population cohorts (gnomAD); In silico analysis indicates that this missense variant does not alter protein structure/function; Has not been previously published as pathogenic or benign to our knowledge

Labcorp Genetics (formerly Invitae), Labcorp
Classification: Uncertain significance for Walker-Warburg congenital muscular dystrophy. Last evaluated: 2022-07-26. Review status: criteria provided, single submitter. Criteria: Invitae Variant Classification Sherloc (09022015). Collection method: clinical testing. Allele origin: germline.
Comment: This sequence change replaces serine, which is neutral and polar, with glycine, which is neutral and non-polar, at codon 17 of the FKTN protein (p.Ser17Gly). This variant is not present in population databases (gnomAD no frequency). This variant has not been reported in the literature in individuals affected with FKTN-related conditions. Algorithms developed to predict the effect of missense changes on protein structure and function are either unavailable or do not agree on the potential impact of this missense change (SIFT: "Tolerated"; PolyPhen-2: "Probably Damaging"; Align-GVGD: "Class C0"). Algorithms developed to predict the effect of sequence changes on RNA splicing suggest that this variant may create or strengthen a splice site. In summary, the available evidence is currently insufficient to determine the role of this variant in disease. Therefore, it has been classified as a Variant of Uncertain Significance.

NM_001079802.2(FKTN):c.49A>G (p.Ser17Gly)

Gene: FKTN (fukutin; plus strand). Cytogenetic location: 9q31.2.
Variant type: single nucleotide variant.
Coding change: c.49A>G on transcript NM_001079802.2 (MANE Select); coding-DNA position 49, A replaced by G.
Protein change: p.Ser17Gly; replaces serine 17 with glycine.
Molecular consequence: missense variant. On other transcripts: 5 prime UTR variant (5), non-coding transcript variant (2).
Genome position (GRCh38, 1-based): chr9:105,575,081, A>G. VCF-style: chr9-105575081-A-G. GRCh37 (hg19) VCF-style: chr9-108337362-A-G.
Other names: c.49A>G, p.Ser17Gly (NM_001198963.2, NM_001351496.2, NM_001351498.2 and 1 more transcripts); c.-119A>G (NM_001351497.2); c.-466A>G (NM_001351499.2, NM_001351500.2, NM_001351501.2 and 1 more transcripts); short protein forms S17G.
Identifiers: ClinVar variation 1947573 (VCV001947573.3), dbSNP rs1272573854, ClinGen allele CA374330875.